The following is an entry in ClinVar:

ClinVar aggregate classification (germline): Uncertain significance. Review status: criteria provided, multiple submitters, no conflicts (2 of 4 stars). 2 submissions from 2 submitters: Uncertain significance (2). Last evaluated 2024-08-04.

Allele frequency attached by ClinVar (database versions not stated): gnomAD exomes below 0.00001; TOPMed below 0.00001.
gnomAD v4.1: 3 of 1,614,072 alleles (0.00019%); highest among the groups gnomAD compares: Admixed American, 0.0033%; no homozygotes.

Submissions (2):

Ambry Genetics
Classification: Uncertain significance. Last evaluated: 2024-08-04. Review status: criteria provided, single submitter. Criteria: Ambry Variant Classification Scheme 2023. Collection method: clinical testing. Allele origin: germline.

Labcorp Genetics (formerly Invitae), Labcorp
Classification: Uncertain significance. Last evaluated: 2024-04-29. Review status: criteria provided, single submitter. Criteria: Invitae Variant Classification Sherloc (09022015). Collection method: clinical testing. Allele origin: germline.
Comment: This sequence change replaces valine, which is neutral and non-polar, with phenylalanine, which is neutral and non-polar, at codon 257 of the MCM5 protein (p.Val257Phe). This variant is present in population databases (no rsID available, gnomAD 0.006%). This variant has not been reported in the literature in individuals affected with MCM5-related conditions. ClinVar contains an entry for this variant (Variation ID: 2377675). Advanced modeling of protein sequence and biophysical properties (such as structural, functional, and spatial information, amino acid conservation, physicochemical variation, residue mobility, and thermodynamic stability) performed at Invitae indicates that this missense variant is not expected to disrupt MCM5 protein function with a negative predictive value of 80%. In summary, the available evidence is currently insufficient to determine the role of this variant in disease. Therefore, it has been classified as a Variant of Uncertain Significance.

NM_006739.4(MCM5):c.769G>T (p.Val257Phe)

Gene: MCM5 (minichromosome maintenance complex component 5; plus strand). Cytogenetic location: 22q12.3.
Variant type: single nucleotide variant.
Coding change: c.769G>T on transcript NM_006739.4 (MANE Select); coding-DNA position 769, G replaced by T.
Protein change: p.Val257Phe; replaces valine 257 with phenylalanine.
Molecular consequence: missense variant.
Genome position (GRCh38, 1-based): chr22:35,410,760, G>T. VCF-style: chr22-35410760-G-T. GRCh37 (hg19) VCF-style: chr22-35806753-G-T.
Other names: short protein forms V257F.
Identifiers: ClinVar variation 2377675 (VCV002377675.6), dbSNP rs1171983312, ClinGen allele CA411342899.